The following is an entry in ClinVar:

NM_003238.6(TGFB2):c.100C>T (p.Arg34Cys)

Gene: TGFB2 (transforming growth factor beta 2; plus strand). Cytogenetic location: 1q41.
Variant type: single nucleotide variant.
Coding change: c.100C>T on transcript NM_003238.6 (MANE Select); coding-DNA position 100, C replaced by T.
Protein change: p.Arg34Cys; replaces arginine 34 with cysteine.
Molecular consequence: missense variant. On other transcripts: non-coding transcript variant (2).
Genome position (GRCh38, 1-based): chr1:218,346,801, C>T. VCF-style: chr1-218346801-C-T. GRCh37 (hg19) VCF-style: chr1-218520143-C-T.
Other names: c.100C>T, p.Arg34Cys (NM_001135599.4); short protein forms R34C.
Identifiers: ClinVar variation 656106 (VCV000656106.11), dbSNP rs1571820734, ClinGen allele CA344725286.

ClinVar aggregate classification (germline): Uncertain significance (1 of 4 stars; one submission).

Conditions:
Loeys-Dietz syndrome 4 (LDS4). Also called: ANEURYSM, AORTIC AND CEREBRAL, WITH ARTERIAL TORTUOSITY AND SKELETAL MANIFESTATIONS; TGFB2-Related Loeys-Dietz Syndrome. Identifiers: MedGen C3553762, MONDO:0013897, OMIM 614816.

Submission:

Labcorp Genetics (formerly Invitae), Labcorp
Classification: Uncertain significance for Loeys-Dietz syndrome 4. Last evaluated: 2018-11-07. Review status: criteria provided, single submitter. Criteria: Invitae Variant Classification Sherloc (09022015). Collection method: clinical testing. Allele origin: germline.
Comment: In summary, the available evidence is currently insufficient to determine the role of this variant in disease. Therefore, it has been classified as a Variant of Uncertain Significance. Algorithms developed to predict the effect of missense changes on protein structure and function (SIFT, PolyPhen-2, Align-GVGD) all suggest that this variant is likely to be disruptive, but these predictions have not been confirmed by published functional studies and their clinical significance is uncertain. This variant has not been reported in the literature in individuals with TGFB2-related disease. This variant is not present in population databases (ExAC no frequency). This sequence change replaces arginine with cysteine at codon 34 of the TGFB2 protein (p.Arg34Cys). The arginine residue is highly conserved and there is a large physicochemical difference between arginine and cysteine.